The following is an entry in ClinVar:

NM_000528.4(MAN2B1):c.1087C>G (p.Leu363Val)

Gene: MAN2B1 (mannosidase alpha class 2B member 1; minus strand). Cytogenetic location: 19p13.13.
Variant type: single nucleotide variant.
Coding change: c.1087C>G on transcript NM_000528.4 (MANE Select); coding-DNA position 1087, C replaced by G.
Protein change: p.Leu363Val; replaces leucine 363 with valine.
Molecular consequence: missense variant.
Genome position (GRCh38, 1-based): chr19:12,658,450, G>C on the plus strand (C>G on the coding strand, the complement: MAN2B1 is on the minus strand). VCF-style: chr19-12658450-G-C. GRCh37 (hg19) VCF-style: chr19-12769264-G-C.
Other names: c.1084C>G, p.Leu362Val (NM_001173498.2); short protein forms L363V, L362V.
Identifiers: ClinVar variation 1982360 (VCV001982360.4), dbSNP rs527314497, ClinGen allele CA9226603.

ClinVar aggregate classification (germline): Uncertain significance (1 of 4 stars; one submission).

Conditions:
Deficiency of alpha-mannosidase (MANSA). Also called: Mannosidosis, alpha-, types I and II; LYSOSOMAL ALPHA-D-MANNOSIDASE DEFICIENCY; Alpha-Mannosidosis. Identifiers: Orphanet 61, MedGen C0024748, MONDO:0009561, OMIM 248500.

Allele frequency attached by ClinVar (database versions not stated): ExAC 0.00001; gnomAD 0.00001; 1000 Genomes Project 30x 0.00016; 1000 Genomes Project 0.00020.

Submission:

Labcorp Genetics (formerly Invitae), Labcorp
Classification: Uncertain significance for Deficiency of alpha-mannosidase. Last evaluated: 2022-08-16. Review status: criteria provided, single submitter. Criteria: Invitae Variant Classification Sherloc (09022015). Collection method: clinical testing. Allele origin: germline.
Comment: In summary, the available evidence is currently insufficient to determine the role of this variant in disease. Therefore, it has been classified as a Variant of Uncertain Significance. Algorithms developed to predict the effect of sequence changes on RNA splicing suggest that this variant may disrupt the consensus splice site. Algorithms developed to predict the effect of missense changes on protein structure and function are either unavailable or do not agree on the potential impact of this missense change (SIFT: "Tolerated"; PolyPhen-2: "Possibly Damaging"; Align-GVGD: "Class C0"). This variant has not been reported in the literature in individuals affected with MAN2B1-related conditions. This variant is present in population databases (rs527314497, gnomAD 0.003%). This sequence change replaces leucine, which is neutral and non-polar, with valine, which is neutral and non-polar, at codon 363 of the MAN2B1 protein (p.Leu363Val).